The following is an entry in ClinVar:

ClinVar aggregate classification (germline): Uncertain significance (1 of 4 stars; one submission).

Allele frequency attached by ClinVar (database versions not stated): ExAC 0.00001.
gnomAD v4.1: 2 of 1,614,006 alleles (0.00012%); highest among the groups gnomAD compares: South Asian, 0.0011%; no homozygotes.

Submission:

Women's Health and Genetics/Laboratory Corporation of America, LabCorp
Classification: Uncertain significance. Last evaluated: 2023-11-13. Review status: criteria provided, single submitter. Criteria: LabCorp Variant Classification Summary - May 2015. Collection method: clinical testing. Allele origin: germline.
Comment: Variant summary: ARID1A c.4894C>G (p.Pro1632Ala) results in a non-conservative amino acid change in the encoded protein sequence. Three of five in-silico tools predict a benign effect of the variant on protein function. The variant was absent in 249840 control chromosomes (gnomAD). The available data on variant occurrences in the general population are insufficient to allow any conclusion about variant significance. To our knowledge, no occurrence of c.4894C>G in individuals affected with Mental Retardation, Autosomal Dominant 14 and no experimental evidence demonstrating its impact on protein function have been reported. No submitters have cited clinical-significance assessments for this variant to ClinVar after 2014. Based on the evidence outlined above, the variant was classified as uncertain significance.

NM_006015.6(ARID1A):c.4894C>G (p.Pro1632Ala)

Gene: ARID1A (AT-rich interaction domain 1A; plus strand). Cytogenetic location: 1p36.11.
Variant type: single nucleotide variant.
Coding change: c.4894C>G on transcript NM_006015.6 (MANE Select); coding-DNA position 4894, C replaced by G.
Protein change: p.Pro1632Ala; replaces proline 1632 with alanine.
Molecular consequence: missense variant.
Genome position (GRCh38, 1-based): chr1:26,775,121, C>G. VCF-style: chr1-26775121-C-G. GRCh37 (hg19) VCF-style: chr1-27101612-C-G.
Other names: c.4243C>G, p.Pro1415Ala (NM_139135.4); short protein forms P1415A, P1632A.
Identifiers: ClinVar variation 2682489 (VCV002682489.1), dbSNP rs372335126, ClinGen allele CA707539.